The following is an entry in ClinVar:

NM_025137.4(SPG11):c.2316+5G>A

Gene: SPG11 (SPG11 vesicle trafficking associated, spatacsin; minus strand). Cytogenetic location: 15q21.1.
Variant type: single nucleotide variant.
Coding change: c.2316+5G>A on transcript NM_025137.4 (MANE Select); 5 bases into the intron after coding-DNA position 2316, G replaced by A.
Molecular consequence: intron variant.
Genome position (GRCh38, 1-based): chr15:44,622,723, C>T on the plus strand (G>A on the coding strand, the complement: SPG11 is on the minus strand). VCF-style: chr15-44622723-C-T. GRCh37 (hg19) VCF-style: chr15-44914921-C-T.
Other names: c.2316+5G>A (NM_001160227.2).
Identifiers: ClinVar variation 264661 (VCV000264661.6), dbSNP rs879255274, ClinGen allele CA270074844.

ClinVar aggregate classification (germline): Likely pathogenic (1 of 4 stars; one submission).

Conditions:
Hereditary spastic paraplegia 11. Also called: Spastic Paraplegia 11; SPASTIC PARAPLEGIA, AUTOSOMAL RECESSIVE, COMPLICATED, WITH THIN CORPUS CALLOSUM; SPASTIC PARAPLEGIA, AUTOSOMAL RECESSIVE, WITH MENTAL IMPAIRMENT AND THIN CORPUS CALLOSUM; Spastic paraplegia, mental retardation and thin corpus callosum; Nakamura Osame syndrome; Autosomal recessive hereditary spastic paraplegia, mental impairment, and thin corpus callosum. Identifiers: Orphanet 2822, MedGen C1858479, MONDO:0011445, OMIM 604360.

gnomAD v4.1: 1 of 1,608,980 alleles (0.000062%); no homozygotes.

Submission:

Labcorp Genetics (formerly Invitae), Labcorp
Classification: Likely pathogenic for Hereditary spastic paraplegia 11. Last evaluated: 2022-11-01. Review status: criteria provided, single submitter. Criteria: Invitae Variant Classification Sherloc (09022015). Collection method: clinical testing. Allele origin: germline.
Comment: This sequence change falls in intron 12 of the SPG11 gene. It does not directly change the encoded amino acid sequence of the SPG11 protein. It affects a nucleotide within the consensus splice site. This variant is not present in population databases (gnomAD no frequency). This variant has been observed in individual(s) with hereditary spastic paraplegia (PMID: 27900367, 29980238). In at least one individual the data is consistent with being in trans (on the opposite chromosome) from a pathogenic variant. It has also been observed to segregate with disease in related individuals. ClinVar contains an entry for this variant (Variation ID: 264661). Variants that disrupt the consensus splice site are a relatively common cause of aberrant splicing (PMID: 17576681, 9536098). Algorithms developed to predict the effect of sequence changes on RNA splicing suggest that this variant may disrupt the consensus splice site. In summary, the currently available evidence indicates that the variant is pathogenic, but additional data are needed to prove that conclusively. Therefore, this variant has been classified as Likely Pathogenic.

Literature cited by the submitters: PubMed 27900367; PubMed 29980238; PubMed 17576681; PubMed 9536098.